The following is an entry in ClinVar:

ClinVar aggregate classification (germline): Uncertain significance (1 of 4 stars; one submission).

Conditions:
Sphingolipid activator protein 1 deficiency. Also called: Saposin B Deficiency; METACHROMATIC LEUKODYSTROPHY DUE TO CEREBROSIDE SULFATASE ACTIVATOR DEFICIENCY; Metachromatic leukodystrophy due to saposin B deficiency. Identifiers: Orphanet 512, MedGen C0268262, MONDO:0009590, OMIM 249900.

Allele frequency attached by ClinVar (database versions not stated): TOPMed 0.00006; ExAC 0.00003; gnomAD 0.00004.
gnomAD v4.1: 14 of 1,614,038 alleles (0.00087%); highest among the groups gnomAD compares: Admixed American, 0.015%; no homozygotes.

Submission:

Labcorp Genetics (formerly Invitae), Labcorp
Classification: Uncertain significance for Sphingolipid activator protein 1 deficiency. Last evaluated: 2022-07-12. Review status: criteria provided, single submitter. Criteria: Invitae Variant Classification Sherloc (09022015). Collection method: clinical testing. Allele origin: germline.
Comment: This sequence change replaces methionine, which is neutral and non-polar, with isoleucine, which is neutral and non-polar, at codon 345 of the PSAP protein (p.Met345Ile). This variant is present in population databases (rs545307941, gnomAD 0.01%). This variant has not been reported in the literature in individuals affected with PSAP-related conditions. Algorithms developed to predict the effect of missense changes on protein structure and function output the following: SIFT: "Not Available"; PolyPhen-2: "Benign"; Align-GVGD: "Not Available". The isoleucine amino acid residue is found in multiple mammalian species, which suggests that this missense change does not adversely affect protein function. In summary, the available evidence is currently insufficient to determine the role of this variant in disease. Therefore, it has been classified as a Variant of Uncertain Significance.

NM_002778.4(PSAP):c.1035G>A (p.Met345Ile)

Gene: PSAP (prosaposin; minus strand). Cytogenetic location: 10q22.1.
Variant type: single nucleotide variant.
Coding change: c.1035G>A on transcript NM_002778.4 (MANE Select); coding-DNA position 1035, G replaced by A.
Protein change: p.Met345Ile; replaces methionine 345 with isoleucine.
Molecular consequence: missense variant.
Genome position (GRCh38, 1-based): chr10:71,819,871, C>T on the plus strand (G>A on the coding strand, the complement: PSAP is on the minus strand). VCF-style: chr10-71819871-C-T. GRCh37 (hg19) VCF-style: chr10-73579628-C-T.
Other names: c.1044G>A, p.Met348Ile (NM_001042465.3); c.1041G>A, p.Met347Ile (NM_001042466.3); short protein forms M348I, M347I, M345I.
Identifiers: ClinVar variation 2046055 (VCV002046055.1), dbSNP rs545307941, ClinGen allele CA5547502.